The following is an entry in ClinVar:

ClinVar aggregate classification (germline): Conflicting classifications of pathogenicity. Review status: criteria provided, conflicting classifications (1 of 4 stars). 4 submissions from 4 submitters: Uncertain significance (2); Likely benign (2). Last evaluated 2025-10-29.

Conditions:
Hereditary cancer-predisposing syndrome. Also called: Neoplastic Syndromes, Hereditary; Hereditary Cancer Syndrome; Tumor predisposition; Hereditary neoplastic syndrome. Identifiers: Orphanet 140162, MedGen C0027672, MeSH D009386, MONDO:0015356.
Tuberous sclerosis 2 (TSC2). Identifiers: Orphanet 805, MedGen C1860707, MONDO:0013199, OMIM 613254.

Allele frequency attached by ClinVar (database versions not stated): ExAC 0.00001; gnomAD 0.00001 and 0.00002; TOPMed 0.00002.
gnomAD v4.1: 2 of 1,612,550 alleles (0.00012%); highest among the groups gnomAD compares: African/African-American, 0.0027%; no homozygotes.

Submissions (4):

Labcorp Genetics (formerly Invitae), Labcorp
Classification: Uncertain significance for Tuberous sclerosis 2. Last evaluated: 2025-10-29. Review status: criteria provided, single submitter. Criteria: Invitae Variant Classification Sherloc (09022015). Collection method: clinical testing. Allele origin: germline.
Comment: This sequence change replaces arginine, which is basic and polar, with glycine, which is neutral and non-polar, at codon 990 of the TSC2 protein (p.Arg990Gly). This variant is present in population databases (rs753730009, gnomAD 0.007%). This variant has not been reported in the literature in individuals affected with TSC2-related conditions. ClinVar contains an entry for this variant (Variation ID: 207675). An algorithm developed to predict the effect of missense changes on protein structure and function (PolyPhen-2) suggests that this variant is likely to be disruptive. RNA analysis performed to evaluate the impact of this missense change on mRNA splicing indicates it does not significantly alter splicing (internal data). In summary, the available evidence is currently insufficient to determine the role of this variant in disease. Therefore, it has been classified as a Variant of Uncertain Significance.

Ambry Genetics
Classification: Uncertain significance for Hereditary cancer-predisposing syndrome. Last evaluated: 2025-06-19. Review status: criteria provided, single submitter. Criteria: Ambry Variant Classification Scheme 2023. Collection method: clinical testing. Allele origin: germline.
Comment: The p.R990G variant (also known as c.2968A>G), located in coding exon 26 of the TSC2 gene, results from an A to G substitution at nucleotide position 2968. The arginine at codon 990 is replaced by glycine, an amino acid with dissimilar properties. This amino acid position is highly conserved in available vertebrate species. In addition, this alteration is predicted to be deleterious by in silico analysis. Since supporting evidence is limited at this time, the clinical significance of this alteration remains unclear.

Genome-Nilou Lab
Classification: Likely benign for Tuberous sclerosis 2. Last evaluated: 2021-11-07. Review status: criteria provided, single submitter. Criteria: ACMG Guidelines, 2015. Collection method: clinical testing. Allele origin: germline. Affected: no.

GeneDx
Classification: Likely benign. Last evaluated: 2014-02-05. Review status: criteria provided, single submitter. Criteria: GeneDx Variant Classification (06012015). Collection method: clinical testing. Allele origin: germline. Affected: yes.
Comment: This variant is considered likely benign or benign based on one or more of the following criteria: it is a conservative change, it occurs at a poorly conserved position in the protein, it is predicted to be benign by multiple in silico algorithms, and/or has population frequency not consistent with disease.

NM_000548.5(TSC2):c.2968A>G (p.Arg990Gly)

Gene: TSC2 (TSC complex subunit 2; plus strand). Cytogenetic location: 16p13.3.
Variant type: single nucleotide variant.
Coding change: c.2968A>G on transcript NM_000548.5 (MANE Select); coding-DNA position 2968, A replaced by G.
Protein change: p.Arg990Gly; replaces arginine 990 with glycine.
Molecular consequence: missense variant. On other transcripts: splice acceptor variant (21), non-coding transcript variant (2).
Genome position (GRCh38, 1-based): chr16:2,079,033, A>G. VCF-style: chr16-2079033-A-G. GRCh37 (hg19) VCF-style: chr16-2129034-A-G.
Other names: p.R990G:AGG>GGG; c.2238-2A>G (NM_001406687.1, NM_001318831.2, NM_001406688.1); c.1494-2A>G (NM_001406691.1, NM_001406697.1, NM_001406695.1 and 1 more transcripts); c.1236-2A>G (NM_001406698.1); c.2967-2A>G (NM_001406663.1, NM_001406664.1); c.2838-2A>G (NM_001406665.1, NM_001370404.1, NM_001077183.3); c.2826-2A>G (NM_001406673.1); c.2727-2A>G (NM_001406678.1); and 19 more; short protein forms R990G, R898G, R947G, R910G, R499G, R542G, R747G, R790G.
Identifiers: ClinVar variation 207675 (VCV000207675.19), dbSNP rs753730009, ClinGen allele CA043555.